The following is an entry in ClinVar:

NM_006790.3(MYOT):c.385A>G (p.Ile129Val)

Genes: MYOT (myotilin; plus strand), PKD2L2-DT (PKD2L2 divergent transcript; minus strand). Cytogenetic location: 5q31.2.
Variant type: single nucleotide variant.
Coding change: c.385A>G on transcript NM_006790.3 (MANE Select); coding-DNA position 385, A replaced by G.
Protein change: p.Ile129Val; replaces isoleucine 129 with valine.
Molecular consequence: missense variant. On other transcripts: 5 prime UTR variant (1).
Genome position (GRCh38, 1-based): chr5:137,875,857, A>G. VCF-style: chr5-137875857-A-G. GRCh37 (hg19) VCF-style: chr5-137211546-A-G.
Other names: c.-168A>G (NM_001135940.2); c.40A>G, p.Ile14Val (NM_001300911.2); short protein forms I129V, I14V.
Identifiers: ClinVar variation 1001863 (VCV001001863.9), dbSNP rs1191595067, ClinGen allele CA361053969.

ClinVar aggregate classification (germline): Uncertain significance (1 of 4 stars; one submission).

Conditions:
Myofibrillar myopathy 3 (MFM3). Also called: Muscular dystrophy, proximal, type 1A; Autosomal dominant spheroid body myopathy. Identifiers: Orphanet 266, Orphanet 268129, MedGen C3714934, MONDO:0012215, OMIM 609200.

Allele frequency attached by ClinVar (database versions not stated): TOPMed below 0.00001; gnomAD 0.00001; gnomAD exomes 0.00001 and 0.00002.

Submission:

Labcorp Genetics (formerly Invitae), Labcorp
Classification: Uncertain significance for Myofibrillar myopathy 3. Last evaluated: 2024-10-22. Review status: criteria provided, single submitter. Criteria: Invitae Variant Classification Sherloc (09022015). Collection method: clinical testing. Allele origin: germline.
Comment: This sequence change replaces isoleucine, which is neutral and non-polar, with valine, which is neutral and non-polar, at codon 129 of the MYOT protein (p.Ile129Val). This variant is present in population databases (no rsID available, gnomAD 0.01%). This variant has not been reported in the literature in individuals affected with MYOT-related conditions. ClinVar contains an entry for this variant (Variation ID: 1001863). Invitae Evidence Modeling of protein sequence and biophysical properties (such as structural, functional, and spatial information, amino acid conservation, physicochemical variation, residue mobility, and thermodynamic stability) indicates that this missense variant is not expected to disrupt MYOT protein function with a negative predictive value of 80%. In summary, the available evidence is currently insufficient to determine the role of this variant in disease. Therefore, it has been classified as a Variant of Uncertain Significance.